The following is an entry in ClinVar:

ClinVar aggregate classification (germline): Uncertain significance (1 of 4 stars; one submission).

Conditions:
Dystonia 12 (DYT12). Also called: DYT-ATP1A3; Rapid-Onset Dystonia-Parkinsonism (RDP). Identifiers: Orphanet 71517, MedGen C1868681, MONDO:0007496, OMIM 128235.

Allele frequency attached by ClinVar (database versions not stated): ESP Exome Variant Server 0.00008.
gnomAD v4.1: 4 of 1,614,230 alleles (0.00025%); highest among the groups gnomAD compares: Non-Finnish European, 0.00034%; no homozygotes.

Submission:

Labcorp Genetics (formerly Invitae), Labcorp
Classification: Uncertain significance for Dystonia 12. Last evaluated: 2023-09-30. Review status: criteria provided, single submitter. Criteria: Invitae Variant Classification Sherloc (09022015). Collection method: clinical testing. Allele origin: germline.
Comment: This variant has not been reported in the literature in individuals affected with ATP1A3-related conditions. In summary, the available evidence is currently insufficient to determine the role of this variant in disease. Therefore, it has been classified as a Variant of Uncertain Significance. Variants that disrupt the consensus splice site are a relatively common cause of aberrant splicing (PMID: 17576681, 9536098). Algorithms developed to predict the effect of sequence changes on RNA splicing suggest that this variant is not likely to affect RNA splicing. This variant is present in population databases (rs374542368, gnomAD 0.0009%). This sequence change falls in intron 9 of the ATP1A3 gene. It does not directly change the encoded amino acid sequence of the ATP1A3 protein. It affects a nucleotide within the consensus splice site.

Literature cited by the submitters: PubMed 17576681; PubMed 9536098.

NM_152296.5(ATP1A3):c.1192+3G>C

Gene: ATP1A3 (ATPase Na+/K+ transporting subunit alpha 3; minus strand). Cytogenetic location: 19q13.2.
Variant type: single nucleotide variant.
Coding change: c.1192+3G>C on transcript NM_152296.5 (MANE Select); 3 bases into the intron after coding-DNA position 1192, G replaced by C.
Molecular consequence: intron variant.
Genome position (GRCh38, 1-based): chr19:41,981,905, C>G on the plus strand (G>C on the coding strand, the complement: ATP1A3 is on the minus strand). VCF-style: chr19-41981905-C-G. GRCh37 (hg19) VCF-style: chr19-42486057-C-G.
Other names: c.1231+3G>C (NM_001256214.2); c.1225+3G>C (NM_001256213.2).
Identifiers: ClinVar variation 2720793 (VCV002720793.3), dbSNP rs374542368, ClinGen allele CA9467711.